The following is an entry in ClinVar:

NM_001378964.1(CDON):c.*3919T>C

Gene: CDON (cell adhesion associated, oncogene regulated; minus strand). Cytogenetic location: 11q24.2.
Variant type: single nucleotide variant.
Coding change: c.*3919T>C on transcript NM_001378964.1 (MANE Select); 3919 bases downstream of the stop codon, T replaced by C.
Molecular consequence: 3 prime UTR variant.
Genome position (GRCh38, 1-based): chr11:125,957,023, A>G on the plus strand (T>C on the coding strand, the complement: CDON is on the minus strand). VCF-style: chr11-125957023-A-G. GRCh37 (hg19) VCF-style: chr11-125826918-A-G.
Other names: c.*3919T>C (NM_001243597.3, NM_016952.6).
Identifiers: ClinVar variation 303376 (VCV000303376.5), dbSNP rs61917811, ClinGen allele CA10637749.

ClinVar aggregate classification (germline): Likely benign (1 of 4 stars; one submission).

Conditions:
Holoprosencephaly 11 (HPE11). Identifiers: Orphanet 2162, MedGen C3280215, MONDO:0013642, OMIM 614226.

Allele frequency attached by ClinVar (database versions not stated): 1000 Genomes Project 30x 0.00156; gnomAD exomes 0.00308; TOPMed 0.00400; 1000 Genomes Project 0.00140; gnomAD 0.00380 and 0.00390.
gnomAD v4.1: 844 of 238,100 alleles (0.35%); highest among the groups gnomAD compares: Middle Eastern, 0.85%; 6 homozygotes.

Submission:

Illumina Laboratory Services, Illumina
Classification: Likely benign for Holoprosencephaly 11. Last evaluated: 2018-01-12. Review status: criteria provided, single submitter. Criteria: ICSL Variant Classification Criteria 13 December 2019. Collection method: clinical testing. Allele origin: germline.
Comment: This variant was observed in the ICSL laboratory as part of a predisposition screen in an ostensibly healthy population. It had not been previously curated by ICSL or reported in the Human Gene Mutation Database (HGMD: prior to June 1st, 2018), and was therefore a candidate for classification through an automated scoring system. Utilizing variant allele frequency, disease prevalence and penetrance estimates, and inheritance mode, an automated score was calculated to assess if this variant is too frequent to cause the disease. Based on the score and internal cut-off values, a variant classified as likely benign is not then subjected to further curation. The score for this variant resulted in a classification of likely benign for this disease.